The following is an entry in ClinVar:

NM_001308195.2(SIMC1):c.39T>A (p.Ser13=)

Gene: SIMC1 (SUMO interacting motifs containing 1; plus strand). Cytogenetic location: 5q35.2.
Variant type: single nucleotide variant.
Coding change: c.39T>A on transcript NM_001308195.2 (MANE Select); coding-DNA position 39, T replaced by A.
Protein change: p.Ser13=; no amino-acid change (serine 13 retained).
Molecular consequence: synonymous variant. On other transcripts: 5 prime UTR variant (1), non-coding transcript variant (1).
Genome position (GRCh38, 1-based): chr5:176,238,547, T>A. VCF-style: chr5-176238547-T-A. GRCh37 (hg19) VCF-style: chr5-175665550-T-A.
Other names: c.-227T>A (NM_001308196.2); c.39T>A, p.Ser13= (NM_198567.6).
Identifiers: ClinVar variation 2656084 (VCV002656084.24), dbSNP rs750443860, ClinGen allele CA3566991.

ClinVar aggregate classification (germline): Likely benign (1 of 4 stars; one submission).

Allele frequency attached by ClinVar (database versions not stated): ExAC 0.00126; 1000 Genomes Project 30x 0.00156; gnomAD 0.00175; gnomAD exomes 0.00295.
gnomAD v4.1: 3,713 of 1,332,438 alleles (0.28%); highest among the groups gnomAD compares: Non-Finnish European, 0.33%; 2 homozygotes.

Submission:

CeGaT Center for Human Genetics Tuebingen
Classification: Likely benign. Last evaluated: 2023-01-01. Review status: criteria provided, single submitter. Criteria: CeGaT Center For Human Genetics Tuebingen Variant Classification Criteria Version 2. Collection method: clinical testing. Allele origin: germline. Affected: yes. Observed: 1 variant allele.
Comment: SIMC1: BP4, BP7